The following is an entry in ClinVar:

NM_004086.3(COCH):c.320A>G (p.Asn107Ser)

Genes: COCH (cochlin; plus strand), COCH-AS1 (COCH antisense RNA 1; minus strand). Cytogenetic location: 14q12.
Variant type: single nucleotide variant.
Coding change: c.320A>G on transcript NM_004086.3 (MANE Select); coding-DNA position 320, A replaced by G.
Protein change: p.Asn107Ser; replaces asparagine 107 with serine.
Molecular consequence: missense variant.
Genome position (GRCh38, 1-based): chr14:30,878,891, A>G. VCF-style: chr14-30878891-A-G. GRCh37 (hg19) VCF-style: chr14-31348097-A-G.
Other names: c.320A>G, p.Asn107Ser (NM_001135058.2); c.515A>G, p.Asn172Ser (NM_001347720.2); short protein forms N172S, N107S.
Identifiers: ClinVar variation 1915333 (VCV001915333.5), dbSNP rs1310628801, ClinGen allele CA389344659.

ClinVar aggregate classification (germline): Uncertain significance (1 of 4 stars; one submission).

Allele frequency attached by ClinVar (database versions not stated): gnomAD exomes 0.00001.
gnomAD v4.1: 8 of 1,614,080 alleles (0.0005%); highest among the groups gnomAD compares: South Asian, 0.0022%; no homozygotes.

Submission:

Labcorp Genetics (formerly Invitae), Labcorp
Classification: Uncertain significance. Last evaluated: 2022-03-19. Review status: criteria provided, single submitter. Criteria: Invitae Variant Classification Sherloc (09022015). Collection method: clinical testing. Allele origin: germline.
Comment: In summary, the available evidence is currently insufficient to determine the role of this variant in disease. Therefore, it has been classified as a Variant of Uncertain Significance. Algorithms developed to predict the effect of missense changes on protein structure and function are either unavailable or do not agree on the potential impact of this missense change (SIFT: "Tolerated"; PolyPhen-2: "Possibly Damaging"; Align-GVGD: "Class C0"). This variant has not been reported in the literature in individuals affected with COCH-related conditions. This variant is present in population databases (no rsID available, gnomAD 0.003%). This sequence change replaces asparagine, which is neutral and polar, with serine, which is neutral and polar, at codon 107 of the COCH protein (p.Asn107Ser).